The following is an entry in ClinVar:

ClinVar aggregate classification (germline): Benign/Likely benign. Review status: criteria provided, multiple submitters, no conflicts (2 of 4 stars). 4 submissions from 4 submitters: Benign (1); Likely benign (2). 1 of the submissions does not count toward it. Last evaluated 2026-01-26.

Conditions:
MOCS1-related disorder. Also called: MOCS1-related condition.
Sulfite oxidase deficiency due to molybdenum cofactor deficiency type A. Also called: Molybdenum Cofactor Deficiency A; Molybdenum cofactor deficiency, complementation group A. Identifiers: Orphanet 308386, Orphanet 833, MedGen C1854988, MONDO:0009643, OMIM 252150.

Allele frequency attached by ClinVar (database versions not stated): 1000 Genomes Project 0.00260; ESP Exome Variant Server 0.00008; gnomAD 0.00035; TOPMed 0.00068; 1000 Genomes Project 30x 0.00203.
gnomAD v4.1: 949 of 1,613,988 alleles (0.059%); highest among the groups gnomAD compares: East Asian, 1.6%; 16 homozygotes.

Submissions (4):

Labcorp Genetics (formerly Invitae), Labcorp
Classification: Benign for Sulfite oxidase deficiency due to molybdenum cofactor deficiency type A. Last evaluated: 2026-01-26. Review status: criteria provided, single submitter. Criteria: Invitae Variant Classification Sherloc (09022015). Collection method: clinical testing. Allele origin: germline.

CeGaT Center for Human Genetics Tuebingen
Classification: Likely benign. Last evaluated: 2023-10-01. Review status: criteria provided, single submitter. Criteria: CeGaT Center For Human Genetics Tuebingen Variant Classification Criteria Version 2. Collection method: clinical testing. Allele origin: germline. Affected: yes. Observed: 1 variant allele.
Comment: MOCS1: BP4, BP7, BS2

Illumina Laboratory Services, Illumina
Classification: Likely benign for Sulfite oxidase deficiency due to molybdenum cofactor deficiency type A. Last evaluated: 2018-01-12. Review status: criteria provided, single submitter. Criteria: ICSL Variant Classification Criteria 13 December 2019. Collection method: clinical testing. Allele origin: germline.
Comment: This variant was observed in the ICSL laboratory as part of a predisposition screen in an ostensibly healthy population. It had not been previously curated by ICSL or reported in the Human Gene Mutation Database (HGMD: prior to June 1st, 2018), and was therefore a candidate for classification through an automated scoring system. Utilizing variant allele frequency, disease prevalence and penetrance estimates, and inheritance mode, an automated score was calculated to assess if this variant is too frequent to cause the disease. Based on the score and internal cut-off values, a variant classified as likely benign is not then subjected to further curation. The score for this variant resulted in a classification of likely benign for this disease.

PreventionGenetics, part of Exact Sciences
Classification: Benign for MOCS1-related condition. Last evaluated: 2024-02-27. Review status: no assertion criteria provided. Collection method: clinical testing. Allele origin: germline. Not counted in ClinVar's aggregate classification.
Comment: This variant is classified as benign based on ACMG/AMP sequence variant interpretation guidelines (Richards et al. 2015 PMID: 25741868, with internal and published modifications).

NM_001358530.2(MOCS1):c.1752G>A (p.Arg584=)

Gene: MOCS1 (molybdenum cofactor synthesis 1; minus strand). Cytogenetic location: 6p21.2.
Variant type: single nucleotide variant.
Coding change: c.1752G>A on transcript NM_001358530.2 (MANE Select); coding-DNA position 1752, G replaced by A.
Protein change: p.Arg584=; no amino-acid change (arginine 584 retained).
Molecular consequence: synonymous variant. On other transcripts: 3 prime UTR variant (4), non-coding transcript variant (1).
Genome position (GRCh38, 1-based): chr6:39,906,516, C>T on the plus strand (G>A on the coding strand, the complement: MOCS1 is on the minus strand). VCF-style: chr6-39906516-C-T. GRCh37 (hg19) VCF-style: chr6-39874292-C-T.
Other names: c.*609G>A (NM_001075098.4, NM_001358533.2, NM_001358534.2 and 1 more transcripts); c.1704G>A, p.Arg568= (NM_001358529.2); c.1491G>A, p.Arg497= (NM_001358531.2); c.1752G>A (NM_001358530.1).
Identifiers: ClinVar variation 356642 (VCV000356642.37), dbSNP rs77225343, ClinGen allele CA3795897.